The following is an entry in ClinVar:

NM_001349253.2(SCN11A):c.1904A>G (p.His635Arg)

Gene: SCN11A (sodium voltage-gated channel alpha subunit 11; minus strand). Cytogenetic location: 3p22.2.
Variant type: single nucleotide variant.
Coding change: c.1904A>G on transcript NM_001349253.2 (MANE Select); coding-DNA position 1904, A replaced by G.
Protein change: p.His635Arg; replaces histidine 635 with arginine.
Molecular consequence: missense variant.
Genome position (GRCh38, 1-based): chr3:38,900,012, T>C on the plus strand (A>G on the coding strand, the complement: SCN11A is on the minus strand). VCF-style: chr3-38900012-T-C. GRCh37 (hg19) VCF-style: chr3-38941503-T-C.
Other names: c.1904A>G, p.His635Arg (NM_014139.3); short protein forms H635R.
Identifiers: ClinVar variation 474697 (VCV000474697.5), dbSNP rs1434002501, ClinGen allele CA352161839.

ClinVar aggregate classification (germline): Uncertain significance (1 of 4 stars; one submission).

Conditions:
Hereditary sensory and autonomic neuropathy type 7. Also called: Neuropathy, hereditary sensory and autonomic, type VII; HSAN VII. Identifiers: Orphanet 391397, MedGen C3809882, MONDO:0014244, OMIM 615548.
Familial episodic pain syndrome with predominantly lower limb involvement. Also called: Episodic pain syndrome, familial, 3. Identifiers: Orphanet 391384, Orphanet 391392, MedGen C3809899, MONDO:0014247, OMIM 615552.

Allele frequency attached by ClinVar (database versions not stated): TOPMed 0.00001; gnomAD 0.00002.
gnomAD v4.1: 3 of 1,613,928 alleles (0.00019%); highest among the groups gnomAD compares: African/African-American, 0.004%; no homozygotes.

Submission:

Labcorp Genetics (formerly Invitae), Labcorp
Classification: Uncertain significance for Familial episodic pain syndrome with predominantly lower limb involvement; Hereditary sensory and autonomic neuropathy type 7. Last evaluated: 2017-06-07. Review status: criteria provided, single submitter. Criteria: Invitae Variant Classification Sherloc (09022015). Collection method: clinical testing. Allele origin: germline.
Comment: In summary, this variant has uncertain impact on SCN11A function. The available evidence is currently insufficient to determine its role in disease. Therefore, it has been classified as a Variant of Uncertain Significance. Algorithms developed to predict the effect of missense changes on protein structure and function do not agree on the potential impact of this missense change (SIFT: "Deleterious"; PolyPhen-2: "Possibly Damaging"; Align-GVGD: "Class C0"). This variant has not been reported in the literature in individuals with an SCN11A-related disease. This variant is not present in population databases (ExAC no frequency). This sequence change replaces histidine with arginine at codon 635 of the SCN11A protein (p.His635Arg). The histidine residue is moderately conserved and there is a small physicochemical difference between histidine and arginine.